The following is an entry in ClinVar:

NM_002340.6(LSS):c.929A>G (p.His310Arg)

Gene: LSS (lanosterol synthase; minus strand). Cytogenetic location: 21q22.3.
Variant type: single nucleotide variant.
Coding change: c.929A>G on transcript NM_002340.6 (MANE Select); coding-DNA position 929, A replaced by G.
Protein change: p.His310Arg; replaces histidine 310 with arginine.
Molecular consequence: missense variant.
Genome position (GRCh38, 1-based): chr21:46,215,262, T>C on the plus strand (A>G on the coding strand, the complement: LSS is on the minus strand). VCF-style: chr21-46215262-T-C. GRCh37 (hg19) VCF-style: chr21-47635176-T-C.
Other names: c.929A>G (NM_001001438.2); c.929A>G, p.His310Arg (NM_001001438.3); c.896A>G, p.His299Arg (NM_001145436.2); c.689A>G, p.His230Arg (NM_001145437.2); short protein forms H299R, H230R, H310R.
Identifiers: ClinVar variation 677221 (VCV000677221.12), dbSNP rs34115287, ClinGen allele CA10075258.

ClinVar aggregate classification (germline): Benign. Review status: criteria provided, multiple submitters, no conflicts (2 of 4 stars). 4 submissions from 4 submitters: Benign (3). 1 of the submissions does not count toward it. Last evaluated 2026-01-28.

Conditions:
LSS-related disorder. Also called: LSS-related condition.

Allele frequency attached by ClinVar (database versions not stated): 1000 Genomes Project 0.11741; ExAC 0.14362; TOPMed 0.14540; gnomAD exomes 0.15871 and 0.13597; gnomAD 0.14041 and 0.14243; ESP Exome Variant Server 0.15426; 1000 Genomes Project 30x 0.11587.
gnomAD v4.1: 252,316 of 1,609,986 alleles (16%); highest among the groups gnomAD compares: Middle Eastern, 17%; 20,718 homozygotes.

Submissions (4):

Labcorp Genetics (formerly Invitae), Labcorp
Classification: Benign. Last evaluated: 2026-01-28. Review status: criteria provided, single submitter. Criteria: Invitae Variant Classification Sherloc (09022015). Collection method: clinical testing. Allele origin: germline.

GeneDx
Classification: Benign. Last evaluated: 2018-03-24. Review status: criteria provided, single submitter. Criteria: GeneDx Variant Classification (06012015). Collection method: clinical testing. Allele origin: germline. Affected: yes.
Comment: This variant is considered likely benign or benign based on one or more of the following criteria: it is a conservative change, it occurs at a poorly conserved position in the protein, it is predicted to be benign by multiple in silico algorithms, and/or has population frequency not consistent with disease.

Breakthrough Genomics
Classification: Benign. Review status: criteria provided, single submitter. Criteria: ACMG Guidelines, 2015. Collection method: not provided. Allele origin: germline. Inheritance: Autosomal recessive inheritance. Affected: yes.

PreventionGenetics, part of Exact Sciences
Classification: Benign for LSS-related condition. Last evaluated: 2019-07-15. Review status: no assertion criteria provided. Collection method: clinical testing. Allele origin: germline. Not counted in ClinVar's aggregate classification.
Comment: This variant is classified as benign based on ACMG/AMP sequence variant interpretation guidelines (Richards et al. 2015 PMID: 25741868, with internal and published modifications).